The following is an entry in ClinVar:

NM_013975.4(LIG3):c.88C>T (p.Arg30Cys)

Gene: LIG3 (DNA ligase 3; plus strand). Cytogenetic location: 17q12.
Variant type: single nucleotide variant.
Coding change: c.88C>T on transcript NM_013975.4 (MANE Select); coding-DNA position 88, C replaced by T.
Protein change: p.Arg30Cys; replaces arginine 30 with cysteine.
Molecular consequence: missense variant.
Genome position (GRCh38, 1-based): chr17:34,983,093, C>T. VCF-style: chr17-34983093-C-T. GRCh37 (hg19) VCF-style: chr17-33310112-C-T.
Other names: c.88C>T, p.Arg30Cys (NM_002311.5); short protein forms R30C.
Identifiers: ClinVar variation 5041883 (VCV005041883.1).

ClinVar aggregate classification (germline): Likely benign (1 of 4 stars; one submission).

gnomAD v4.1: 96 of 1,613,316 alleles (0.006%); highest among the groups gnomAD compares: Admixed American, 0.13%; no homozygotes.

Submission:

CeGaT Center for Human Genetics Tuebingen
Classification: Likely benign. Last evaluated: 2026-07-01. Review status: criteria provided, single submitter. Criteria: CeGaT Center For Human Genetics Tuebingen Variant Classification Criteria Version 2. Collection method: clinical testing. Allele origin: germline. Affected: yes. Observed: 1 variant allele.
Comment: LIG3: BP4